The following is an entry in ClinVar:

ClinVar aggregate classification (germline): Uncertain significance. Review status: criteria provided, multiple submitters, no conflicts (2 of 4 stars). 2 submissions from 2 submitters: Uncertain significance (2). Last evaluated 2025-01-25.

Conditions:
Inborn genetic diseases. Identifiers: MedGen C0950123, MeSH D030342.
Fanconi anemia (FA). Also called: Fanconi's anemia. Identifiers: Orphanet 84, MedGen C0015625, MeSH D005199, MONDO:0019391.

gnomAD v4.1: 19 of 1,613,992 alleles (0.0012%); highest among the groups gnomAD compares: Non-Finnish European, 0.0015%; no homozygotes.

Submissions (2):

Ambry Genetics
Classification: Uncertain significance for Inborn genetic diseases. Last evaluated: 2025-01-25. Review status: criteria provided, single submitter. Criteria: Ambry Variant Classification Scheme 2023. Collection method: clinical testing. Allele origin: germline.
Comment: The p.G441V variant (also known as c.1322G>T), located in coding exon 10 of the FANCG gene, results from a G to T substitution at nucleotide position 1322. The glycine at codon 441 is replaced by valine, an amino acid with dissimilar properties. This amino acid position is conserved. In addition, this alteration is predicted to be tolerated by in silico analysis. Based on the available evidence, the clinical significance of this variant remains unclear.

Labcorp Genetics (formerly Invitae), Labcorp
Classification: Uncertain significance for Fanconi anemia. Last evaluated: 2024-06-19. Review status: criteria provided, single submitter. Criteria: Invitae Variant Classification Sherloc (09022015). Collection method: clinical testing. Allele origin: germline.
Comment: This sequence change replaces glycine, which is neutral and non-polar, with valine, which is neutral and non-polar, at codon 441 of the FANCG protein (p.Gly441Val). This variant is present in population databases (rs754635557, gnomAD 0.002%). This variant has not been reported in the literature in individuals affected with FANCG-related conditions. Advanced modeling of protein sequence and biophysical properties (such as structural, functional, and spatial information, amino acid conservation, physicochemical variation, residue mobility, and thermodynamic stability) performed at Invitae indicates that this missense variant is not expected to disrupt FANCG protein function with a negative predictive value of 80%. In summary, the available evidence is currently insufficient to determine the role of this variant in disease. Therefore, it has been classified as a Variant of Uncertain Significance.

NM_004629.2(FANCG):c.1322G>T (p.Gly441Val)

Gene: FANCG (FA complementation group G; minus strand). Cytogenetic location: 9p13.3.
Variant type: single nucleotide variant.
Coding change: c.1322G>T on transcript NM_004629.2 (MANE Select); coding-DNA position 1322, G replaced by T.
Protein change: p.Gly441Val; replaces glycine 441 with valine.
Molecular consequence: missense variant.
Genome position (GRCh38, 1-based): chr9:35,075,576, C>A on the plus strand (G>T on the coding strand, the complement: FANCG is on the minus strand). VCF-style: chr9-35075576-C-A. GRCh37 (hg19) VCF-style: chr9-35075573-C-A.
Other names: short protein forms G441V.
Identifiers: ClinVar variation 3700640 (VCV003700640.3).